The following is an entry in ClinVar:

ClinVar aggregate classification (germline): Uncertain significance (1 of 4 stars; one submission).

Conditions:
Alstrom syndrome (ALMS). Identifiers: Orphanet 64, MedGen C0268425, MONDO:0008763, OMIM 203800.

gnomAD v4.1: 1 of 1,614,196 alleles (0.000062%); highest among the groups gnomAD compares: South Asian, 0.0011%; no homozygotes.

Submission:

Labcorp Genetics (formerly Invitae), Labcorp
Classification: Uncertain significance for Alstrom syndrome. Last evaluated: 2022-03-17. Review status: criteria provided, single submitter. Criteria: Invitae Variant Classification Sherloc (09022015). Collection method: clinical testing. Allele origin: germline.
Comment: In summary, the available evidence is currently insufficient to determine the role of this variant in disease. Therefore, it has been classified as a Variant of Uncertain Significance. This sequence change replaces glutamine, which is neutral and polar, with arginine, which is basic and polar, at codon 2562 of the ALMS1 protein (p.Gln2562Arg). This variant is not present in population databases (gnomAD no frequency). This variant has not been reported in the literature in individuals affected with ALMS1-related conditions. Experimental studies and prediction algorithms are not available or were not evaluated, and the functional significance of this variant is currently unknown.

NM_001378454.1(ALMS1):c.7682A>G (p.Gln2561Arg)

Gene: ALMS1 (ALMS1 centrosome and basal body associated protein; plus strand). Cytogenetic location: 2p13.1.
Variant type: single nucleotide variant.
Coding change: c.7682A>G on transcript NM_001378454.1 (MANE Select); coding-DNA position 7682, A replaced by G.
Protein change: p.Gln2561Arg; replaces glutamine 2561 with arginine.
Molecular consequence: missense variant.
Genome position (GRCh38, 1-based): chr2:73,489,641, A>G. VCF-style: chr2-73489641-A-G. GRCh37 (hg19) VCF-style: chr2-73716768-A-G.
Other names: c.7685A>G, p.Gln2562Arg (NM_015120.4); short protein forms Q2562R, Q2561R.
Identifiers: ClinVar variation 2113257 (VCV002113257.4), dbSNP rs2466212012, ClinGen allele CA347263843.